The following is an entry in ClinVar:

ClinVar aggregate classification (germline): Uncertain significance (1 of 4 stars; one submission).

Submission:

Labcorp Genetics (formerly Invitae), Labcorp
Classification: Uncertain significance. Last evaluated: 2022-04-21. Review status: criteria provided, single submitter. Criteria: Invitae Variant Classification Sherloc (09022015). Collection method: clinical testing. Allele origin: germline.
Comment: A copy number gain of the genomic region encompassing the full coding sequence of the TTC19 gene has been identified. The boundaries of this event are unknown as they extend beyond the assayed region for this gene and therefore may encompass additional genes. As the precise location of this event is unknown, it may be in tandem or it may be located elsewhere in the genome. This variant has not been reported in the literature in individuals affected with TTC19-related conditions. Experimental studies and prediction algorithms are not available or were not evaluated, and the functional significance of this variant is currently unknown. In summary, the available evidence is currently insufficient to determine the role of this variant in disease. Therefore, it has been classified as a Variant of Uncertain Significance.

NC_000017.10:g.(?_15903163)_(16229212_?)dup

Genes: NCOR1 (nuclear receptor corepressor 1; minus strand), PIGL (phosphatidylinositol glycan anchor biosynthesis class L; plus strand), TTC19 (tetratricopeptide repeat domain 19; plus strand). Cytogenetic location: 17p12-11.2.
Variant type: Duplication.
Identifiers: ClinVar variation 1484361 (VCV001484361.2).